The following is an entry in ClinVar:

NM_058216.3(RAD51C):c.958A>G (p.Lys320Glu)

Gene: RAD51C (RAD51 paralog C; plus strand). Cytogenetic location: 17q22.
Variant type: single nucleotide variant.
Coding change: c.958A>G on transcript NM_058216.3 (MANE Select); coding-DNA position 958, A replaced by G.
Protein change: p.Lys320Glu; replaces lysine 320 with glutamic acid.
Molecular consequence: missense variant. On other transcripts: non-coding transcript variant (1).
Genome position (GRCh38, 1-based): chr17:58,724,093, A>G. VCF-style: chr17-58724093-A-G. GRCh37 (hg19) VCF-style: chr17-56801454-A-G.
Other names: short protein forms K320E.
Identifiers: ClinVar variation 576199 (VCV000576199.14), dbSNP rs1567810482, ClinGen allele CA400361575.
Genomic context (GRCh38, chr17:58,724,093, plus strand): 5'-CTCTCAGGGGAAAGTTGGGGACATGCTGCTACAATACGGCTAATCTTTCATTGGGACCGA[A>G]AGCAAAGGTCAGTACAGAAACAAGTTAATAACTCCGAATATTGGGTTAATTATACTGAAT-3'
Protein context (NP_478123.1, residues 310-330): TIRLIFHWDR[Lys320Glu]QRLATLYKSP

ClinVar aggregate classification (germline): Conflicting classifications of pathogenicity. Review status: criteria provided, conflicting classifications (1 of 4 stars). 3 submissions from 3 submitters: Uncertain significance (2); Benign (1). Last evaluated 2025-09-25.

Conditions:
Hereditary cancer-predisposing syndrome. Also called: Hereditary neoplastic syndrome; Tumor predisposition; Hereditary Cancer Syndrome; Neoplastic Syndromes, Hereditary. Identifiers: Orphanet 140162, MedGen C0027672, MeSH D009386, MONDO:0015356.
Fanconi anemia complementation group O. Also called: RAD51C-Related Fanconi Anemia. Identifiers: Orphanet 84, MedGen C3150653, MONDO:0013248, OMIM 613390.

Submissions (3):

Ambry Genetics
Classification: Benign for Hereditary cancer-predisposing syndrome. Last evaluated: 2025-09-25. Review status: criteria provided, single submitter. Criteria: Ambry Variant Classification Scheme 2023. Collection method: clinical testing. Allele origin: germline.

Labcorp Genetics (formerly Invitae), Labcorp
Classification: Uncertain significance for Fanconi anemia complementation group O. Last evaluated: 2025-06-11. Review status: criteria provided, single submitter. Criteria: Invitae Variant Classification Sherloc (09022015). Collection method: clinical testing. Allele origin: germline.
Comment: This sequence change replaces lysine, which is basic and polar, with glutamic acid, which is acidic and polar, at codon 320 of the RAD51C protein (p.Lys320Glu). This variant is not present in population databases (gnomAD no frequency). This variant has not been reported in the literature in individuals affected with RAD51C-related conditions. ClinVar contains an entry for this variant (Variation ID: 576199). Invitae Evidence Modeling of protein sequence and biophysical properties (such as structural, functional, and spatial information, amino acid conservation, physicochemical variation, residue mobility, and thermodynamic stability) indicates that this missense variant is not expected to disrupt RAD51C protein function with a negative predictive value of 80%. In summary, the available evidence is currently insufficient to determine the role of this variant in disease. Therefore, it has been classified as a Variant of Uncertain Significance.

Quest Diagnostics Nichols Institute San Juan Capistrano
Classification: Uncertain significance. Last evaluated: 2022-12-03. Review status: criteria provided, single submitter. Criteria: Quest Diagnostics criteria. Collection method: clinical testing. Allele origin: unknown.
Comment: It has not been reported in large, multi-ethnic general populations. In the published literature, the variant has been reported in an individual with breast cancer in a large breast cancer association study (PMID: 33471991 (2021), see also LOVD. Analysis of this variant using bioinformatics tools for the prediction of the effect of amino acid changes on protein structure and function yielded predictions that this variant is benign. Based on the available information, we are unable to determine the clinical significance of this variant.

Literature cited by the submitters: PubMed 33471991 (cited by Quest Diagnostics Nichols Institute San Juan Capistrano).